The following is an entry in ClinVar:

ClinVar aggregate classification (germline): Likely benign (1 of 4 stars; one submission).

Conditions:
Hereditary angioedema type 1 (HAE1). Identifiers: Orphanet 100050, Orphanet 100051, Orphanet 91378, MedGen C2717906, MONDO:0015053, OMIM 106100.

Allele frequency attached by ClinVar (database versions not stated): gnomAD 0.00091 and 0.00111; TOPMed 0.00097; 1000 Genomes Project 0.00120; 1000 Genomes Project 30x 0.00141; gnomAD exomes 0.00177.
gnomAD v4.1: 1,125 of 693,900 alleles (0.16%); highest among the groups gnomAD compares: South Asian, 0.61%; 7 homozygotes.

Submission:

CeMIA
Classification: Likely benign for Hereditary angioedema type 1. Review status: criteria provided, single submitter. Criteria: ACMG Guidelines, 2015. Collection method: clinical testing. Allele origin: germline. Affected: yes.
Comment: This variant is considered likely benign or benign based on one or more of the following criteria: allele frequency is >5% in Exome Sequencing Project, 1000 Genomes Project, or Exome Aggregation Consortium (BA1), allele frequency is greater than expected for disorder (BS1), it is observed in a healthy adult individual (BS2), it is predicted to be benign by multiple in silico algorithms (BP4), it is found in a case with an alternate molecular basis for the disease (BP5) and/or reputable source recently reports variant as benign (BP6).

Literature cited by the submitters: PubMed 31959500.

NM_000062.3(SERPING1):c.686-179A>G

Gene: SERPING1 (serpin family G member 1; plus strand). Cytogenetic location: 11q12.1.
Variant type: single nucleotide variant.
Coding change: c.686-179A>G on transcript NM_000062.3 (MANE Select); 179 bases into the intron before coding-DNA position 686, A replaced by G.
Molecular consequence: intron variant.
Genome position (GRCh38, 1-based): chr11:57,605,831, A>G. VCF-style: chr11-57605831-A-G. GRCh37 (hg19) VCF-style: chr11-57373304-A-G.
Other names: c.686-179A>G (NM_001032295.2).
Identifiers: ClinVar variation 983252 (VCV000983252.2), dbSNP rs189335964, ClinGen allele CA223055346.